The following is an entry in ClinVar:

NM_006236.3(POU3F3):c.1367A>G (p.Asn456Ser)

Gene: POU3F3 (POU class 3 homeobox 3; plus strand). Cytogenetic location: 2q12.1.
Variant type: single nucleotide variant.
Coding change: c.1367A>G on transcript NM_006236.3 (MANE Select); coding-DNA position 1367, A replaced by G.
Protein change: p.Asn456Ser; replaces asparagine 456 with serine.
Molecular consequence: missense variant.
Genome position (GRCh38, 1-based): chr2:104,856,877, A>G. VCF-style: chr2-104856877-A-G. GRCh37 (hg19) VCF-style: chr2-105473335-A-G.
Other names: c.1367A>G (NM_006236.1); short protein forms N456S.
Identifiers: ClinVar variation 691584 (VCV000691584.5), dbSNP rs1573321115, ClinGen allele CA348098810.

ClinVar aggregate classification (germline): Likely pathogenic. Review status: criteria provided, multiple submitters, no conflicts (2 of 4 stars). 4 submissions from 4 submitters: Likely pathogenic (3). 1 of the submissions does not count toward it. Last evaluated 2026-04-22.

Conditions:
POU3F3-related disorder. Also called: POU3F3-related condition.
Intellectual disability. Also called: Intellectual functioning disability; intellectual disabilities; Intellectual developmental disorder. Identifiers: MedGen C3714756, MeSH D008607, MONDO:0001071, HP:0001249.
Snijders blok-fisher syndrome. Identifiers: Orphanet 656135, MedGen C5231424, MONDO:0032830, OMIM 618604.
Inborn genetic diseases. Identifiers: MedGen C0950123, MeSH D030342.

Submissions (4):

NHS Central & South Genomic Laboratory Hub
Classification: Likely pathogenic for Intellectual disability. Last evaluated: 2026-04-22. Review status: criteria provided, single submitter. Criteria: ACMG Guidelines, 2015. Collection method: clinical testing. Allele origin: germline. Affected: yes.

Blueprint Genetics
Classification: Likely pathogenic for POU3F3-related disorders. Last evaluated: 2024-01-17. Review status: criteria provided, single submitter. Criteria: ACMG Guidelines, 2015. Collection method: clinical testing. Allele origin: germline. Affected: yes. Observed: 1 variant allele.

Ambry Genetics
Classification: Likely pathogenic for Inborn genetic diseases. Last evaluated: 2024-01-04. Review status: criteria provided, single submitter. Criteria: Ambry Variant Classification Scheme 2023. Collection method: clinical testing. Allele origin: germline.
Comment: The c.1367A>G (p.N456S) alteration is located in exon 1 (coding exon 1) of the POU3F3 gene. This alteration results from a A to G substitution at nucleotide position 1367, causing the asparagine (N) at amino acid position 456 to be replaced by a serine (S). This variant was not reported in population-based cohorts in the Genome Aggregation Database (gnomAD). This variant has been determined to be the result of a de novo mutation in one individual with features consistent with POU3F3-related neurodevelopmental disorder (Snijders Blok, 2019). This amino acid position is highly conserved in available vertebrate species. An experimental study demonstrated that the p.N456S variant results in moderate reduction in transcriptional activity and dimerization capacity (Snijders Blok, 2019). This alteration is predicted to be deleterious by in silico analysis. Based on the available evidence, this alteration is classified as likely pathogenic.

OMIM
Classification: Pathogenic for SNIJDERS BLOK-FISHER SYNDROME. Last evaluated: 2019-10-03. Review status: no assertion criteria provided. Collection method: literature only. Allele origin: germline. Not counted in ClinVar's aggregate classification.

Literature cited by the submitters: PubMed 31303265 (cited by Ambry Genetics and OMIM).